The following is an entry in ClinVar:

ClinVar aggregate classification (germline): Likely benign (1 of 4 stars; one submission).

Allele frequency attached by ClinVar (database versions not stated): ExAC 0.00001; gnomAD 0.00001.
gnomAD v4.1: 16 of 1,598,184 alleles (0.001%); highest among the groups gnomAD compares: Middle Eastern, 0.016%; no homozygotes.

Submission:

CeGaT Center for Human Genetics Tuebingen
Classification: Likely benign. Last evaluated: 2022-08-01. Review status: criteria provided, single submitter. Criteria: CeGaT Center For Human Genetics Tuebingen Variant Classification Criteria Version 2. Collection method: clinical testing. Allele origin: germline. Affected: yes. Observed: 1 variant allele.
Comment: CASP10: BP4, BP7

NM_032977.4(CASP10):c.685-3243G>A

Gene: CASP10 (caspase 10; plus strand). Cytogenetic location: 2q33.1.
Variant type: single nucleotide variant.
Coding change: c.685-3243G>A on transcript NM_032977.4 (MANE Select); 3243 bases into the intron before coding-DNA position 685, G replaced by A.
Molecular consequence: intron variant. On other transcripts: synonymous variant (1).
Genome position (GRCh38, 1-based): chr2:201,200,487, G>A. VCF-style: chr2-201200487-G-A. GRCh37 (hg19) VCF-style: chr2-202065210-G-A.
Other names: c.729G>A, p.Ser243= (NM_001306083.2); c.685-3243G>A (NM_032974.5, NM_032976.4, NM_001206524.2); c.684+4539G>A (NM_001206542.2, NM_001230.5).
Identifiers: ClinVar variation 2651815 (VCV002651815.24), dbSNP rs761039791, ClinGen allele CA2052981.
Genomic context (GRCh38, chr2:201,200,487, plus strand): 5'-CCTCCTTTCTCCCCAGGAAGGTGTTTTTGTTTTTTTAAATGAAGGAGACCGTGGAAACTC[G>A]CCAGATGACCTGTAGCTCCTGGAGCTTGGCAAAGGCTGGGCAAACGCCCACCTGAAGACT-3'